The following continues an entry in ClinVar:

NM_000059.4(BRCA2):c.8851G>A (p.Ala2951Thr)

Gene: BRCA2. ClinVar aggregate classification (germline): Benign. Benign (1).

Submissions 21 to 49 of 49:

Center for Pediatric Genomic Medicine, Children's Mercy Hospital and Clinics
Classification: Benign. Last evaluated: 2016-09-28. Review status: criteria provided, single submitter. Criteria: ACMG Guidelines, 2015. Collection method: clinical testing. Allele origin: germline. Not counted in ClinVar's aggregate classification.

Laboratory for Molecular Medicine, Mass General Brigham Personalized Medicine
Classification: Benign. Last evaluated: 2016-03-28. Review status: criteria provided, single submitter. Criteria: LMM Criteria. Collection method: clinical testing. Allele origin: germline. Not counted in ClinVar's aggregate classification.
Comment: Variant identified in a genome or exome case(s) and assessed due to predicted null impact of the variant or pathogenic assertions in the literature or databases. Disclaimer: This variant has not undergone full assessment. The following are preliminary notes: ExAC: 3.5% (402/11526) Latino chromosomes

Vantari Genetics
Classification: Benign for Hereditary cancer-predisposing syndrome. Last evaluated: 2016-01-06. Review status: criteria provided, single submitter. Criteria: ACMG Guidelines, 2015. Collection method: clinical testing. Allele origin: germline. Not counted in ClinVar's aggregate classification.

CHEO Genetics Diagnostic Laboratory, Children's Hospital of Eastern Ontario
Classification: Benign for Breast and/or ovarian cancer. Last evaluated: 2016-01-04. Review status: criteria provided, single submitter. Criteria: ACMG Guidelines, 2015. Collection method: clinical testing. Allele origin: germline. Study: Canadian Open Genetics Repository. Not counted in ClinVar's aggregate classification.

Fulgent Genetics
Classification: Likely benign for Breast-ovarian cancer, familial, susceptibility to, 2. Last evaluated: 2015-12-07. Review status: criteria provided, single submitter. Criteria: ACMG Guidelines, 2015. Collection method: clinical testing. Allele origin: unknown. Not counted in ClinVar's aggregate classification.

Genomic Diagnostic Laboratory, Division of Genomic Diagnostics, Children's Hospital of Philadelphia
Classification: Benign for Hereditary Breast and Ovarian Cancer. Last evaluated: 2015-10-20. Review status: criteria provided, single submitter. Criteria: DGD Variant Analysis Guidelines. Collection method: clinical testing. Allele origin: unknown. Not counted in ClinVar's aggregate classification.

Clinical Genetics DNA and cytogenetics Diagnostics Lab, Erasmus MC, Erasmus Medical Center
Classification: Benign for Breast-ovarian cancer, familial, susceptibility to, 2. Last evaluated: 2015-09-21. Review status: criteria provided, single submitter. Criteria: ACGS Guidelines, 2013. Collection method: clinical testing. Allele origin: germline. Affected: yes. Study: VKGL Data-share Consensus. Not counted in ClinVar's aggregate classification.

Eurofins Ntd Llc (ga)
Classification: Benign. Last evaluated: 2015-07-30. Review status: criteria provided, single submitter. Criteria: EGL Classification Definitions 2015. Collection method: clinical testing. Allele origin: germline. Observed: 16 variant alleles, 16 heterozygotes. Not counted in ClinVar's aggregate classification.

Color Diagnostics, LLC DBA Color Health
Classification: Benign for Hereditary cancer-predisposing syndrome. Last evaluated: 2014-12-30. Review status: criteria provided, single submitter. Criteria: ACMG Guidelines, 2015. Collection method: clinical testing. Allele origin: germline. Not counted in ClinVar's aggregate classification.

Molecular Genetics Laboratory, University of Michigan
Classification: Benign for Breast-ovarian cancer, familial, susceptibility to, 2. Last evaluated: 2014-11-03. Review status: criteria provided, single submitter. Criteria: ACMG Guidelines, 2015. Collection method: clinical testing. Allele origin: germline. Affected: yes. Not counted in ClinVar's aggregate classification.

Pathway Genomics
Classification: Benign for Breast-ovarian cancer, familial 2. Last evaluated: 2014-10-30. Review status: criteria provided, single submitter. Criteria: ACMG Guidelines, 2015. Collection method: clinical testing. Allele origin: germline. Not counted in ClinVar's aggregate classification.

Genome Diagnostics Laboratory, University Medical Center Utrecht
Classification: Benign for Breast-ovarian cancer, familial, susceptibility to, 2. Last evaluated: 2014-10-09. Review status: criteria provided, single submitter. Criteria: ACGS Guidelines, 2013. Collection method: clinical testing. Allele origin: germline. Affected: yes. Study: VKGL Data-share Consensus. Not counted in ClinVar's aggregate classification.

Ambry Genetics
Classification: Benign for Hereditary cancer-predisposing syndrome. Last evaluated: 2014-08-01. Review status: criteria provided, single submitter. Criteria: Ambry Variant Classification Scheme 2023. Collection method: clinical testing. Allele origin: germline. Not counted in ClinVar's aggregate classification.

Women's Health and Genetics/Laboratory Corporation of America, LabCorp
Classification: Benign for Hereditary breast ovarian cancer syndrome. Last evaluated: 2014-02-04. Review status: criteria provided, single submitter. Criteria: LabCorp Variant Classification Summary - May 2015. Collection method: clinical testing. Allele origin: germline. Not counted in ClinVar's aggregate classification.

GeneDx
Classification: Benign. Last evaluated: 2013-10-02. Review status: criteria provided, single submitter. Criteria: GeneDx Variant Classification (06012015). Collection method: clinical testing. Allele origin: germline. Affected: yes. Not counted in ClinVar's aggregate classification.
Comment: This variant is considered likely benign or benign based on one or more of the following criteria: it is a conservative change, it occurs at a poorly conserved position in the protein, it is predicted to be benign by multiple in silico algorithms, and/or has population frequency not consistent with disease.

Breakthrough Genomics
Classification: Benign. Review status: criteria provided, single submitter. Criteria: ACMG Guidelines, 2015. Collection method: not provided. Allele origin: germline. Inheritance: Autosomal recessive inheritance. Affected: yes. Not counted in ClinVar's aggregate classification.

True Health Diagnostics
Classification: Benign for Hereditary cancer-predisposing syndrome. Last evaluated: 2017-09-13. Review status: no assertion criteria provided. Collection method: clinical testing. Allele origin: germline. Not counted in ClinVar's aggregate classification.

Mayo Clinic Laboratories, Mayo Clinic
Classification: Likely benign. Last evaluated: 2017-03-30. Review status: no assertion criteria provided. Collection method: clinical testing. Allele origin: unknown. Not counted in ClinVar's aggregate classification.

Counsyl
Classification: Benign for Breast-ovarian cancer, familial 2. Last evaluated: 2014-01-02. Review status: no assertion criteria provided. Collection method: literature only. Allele origin: unknown. Inheritance: Autosomal dominant inheritance. Not counted in ClinVar's aggregate classification.

ITMI
No classification provided. Condition: AllHighlyPenetrant. Last evaluated: 2013-09-19. Review status: no classification provided. Collection method: reference population. Allele origin: germline. Not counted in ClinVar's aggregate classification.
Comment: Please see associated publication for description of ethnicities

Biesecker Lab/Clinical Genomics Section, National Institutes of Health
Classification: Benign. Last evaluated: 2012-07-13. Review status: no assertion criteria provided. Collection method: research. Allele origin: germline. Affected: no. Observed: 9 variant alleles. Study: ClinSeq. Not counted in ClinVar's aggregate classification.
ClinVar note: Converted during submission from no known pathogenicity to Benign.

Sharing Clinical Reports Project (SCRP)
Classification: Benign for Breast-ovarian cancer, familial 2. Last evaluated: 2011-03-14. Review status: no assertion criteria provided. Collection method: clinical testing. Allele origin: germline. Not counted in ClinVar's aggregate classification.

Breast Cancer Information Core (BIC) (BRCA2)
Classification: Benign for Breast-ovarian cancer, familial 2. Last evaluated: 2002-05-29. Review status: no assertion criteria provided. Collection method: clinical testing. Allele origin: germline. Affected: yes. Observed: 42 variant alleles. Not counted in ClinVar's aggregate classification.

Center of Medical Genetics and Primary Health Care
Classification: Benign for Breast Cancer. Review status: no assertion criteria provided. Collection method: clinical testing. Allele origin: germline. Affected: yes. Not counted in ClinVar's aggregate classification.

Clinical Genetics Laboratory, Department of Pathology, Netherlands Cancer Institute
Classification: Benign. Review status: no assertion criteria provided. Collection method: clinical testing. Allele origin: germline. Affected: yes. Study: VKGL Data-share Consensus. Not counted in ClinVar's aggregate classification.

Department of Pathology and Laboratory Medicine, Sinai Health System
Classification: Benign for Malignant tumor of breast. Review status: no assertion criteria provided. Collection method: clinical testing. Allele origin: unknown. Affected: yes. Study: The Canadian Open Genetics Repository (COGR). Not counted in ClinVar's aggregate classification.
Comment: The p.Ala2951Thr variant has been reported in our laboratory as well as in the literature in 36/5864 (0.006 frequency) proband chromosomes and in 1/1018 control chromosomes (0.001 frequency) (Bergthorsson_2001_11389159, Borg_2010_20104584, Saxena_2006_17018160, Lin_2003_12815053, Spitzer_2000_10699917, Serova-Sinilnikova_1997_9150172, Weber_2006_16685647, Wagner_1999_9971877, Waddell_2008_18497862). It is listed in dbSNP database (ID#:rs11571769) but no frequency information was provided, and so the prevalence of this variant in the general population is not known. The p.Ala2951 residue is conserved across vertebrate species, and computational analyses (PolyPhen2, SIFT, AlignGVGD) suggest that the p.Ala2951Thr variant may impact the protein. However, this information is not predictive enough to assume pathogenicity. In one study, this variant did not co-segregate with cancer in three families, and its frequency in 4680 clinical samples was similar to that of the control population (Deffenbaugh_2002_12215251). Notably, this variant has been identified in the UMD database in a total of 15 individuals who had a second pathogenic variant (9 with BRCA2 mutations and 6 with BRCA1) and associated with a breast or ovarian cancer phenotype, increasing the likelihood that the p.Ala2951Thr variant does not have clinical significance. In addition, Myriad calls this variant as a polymorphism. In summary, based on the above information this variant is classified as benign.

Diagnostic Laboratory, Department of Genetics, University Medical Center Groningen
Classification: Benign for Breast-ovarian cancer, familial, susceptibility to, 2. Review status: no assertion criteria provided. Collection method: clinical testing. Allele origin: germline. Affected: yes. Study: VKGL Data-share Consensus. Not counted in ClinVar's aggregate classification.

Joint Genome Diagnostic Labs from Nijmegen and Maastricht, Radboudumc and MUMC+
Classification: Benign. Review status: no assertion criteria provided. Collection method: clinical testing. Allele origin: germline. Affected: yes. Study: VKGL Data-share Consensus. Not counted in ClinVar's aggregate classification.

Laboratory of Diagnostic Genome Analysis, Leiden University Medical Center (LUMC)
Classification: Benign. Review status: no assertion criteria provided. Collection method: clinical testing. Allele origin: germline. Affected: yes. Study: VKGL Data-share Consensus. Not counted in ClinVar's aggregate classification.

Literature cited by the submitters: PubMed 33609447 (cited by Quest Diagnostics Nichols Institute San Juan Capistrano); PubMed 29394989 (cited by Quest Diagnostics Nichols Institute San Juan Capistrano); PubMed 12215251 (cited by 5 submitters); PubMed 27153395 (cited by Quest Diagnostics Nichols Institute San Juan Capistrano); DOI 10.3389/fgene.2022.834265 (cited by National Health Laboratory Service, Universitas Academic Hospital and University of the Free State); PubMed 36329109 (cited by Genetics Program, Instituto Nacional de Cancer); PubMed 24728327 (cited by Illumina Laboratory Services, Illumina and ITMI); PubMed 12474142 (cited by Women's Health and Genetics/Laboratory Corporation of America, LabCorp); PubMed 21520273 (cited by Women's Health and Genetics/Laboratory Corporation of America, LabCorp and Counsyl); PubMed 21702907 (cited by Women's Health and Genetics/Laboratory Corporation of America, LabCorp and Counsyl); PubMed 24123850 (cited by Women's Health and Genetics/Laboratory Corporation of America, LabCorp); PubMed 21952622 (cited by Women's Health and Genetics/Laboratory Corporation of America, LabCorp and Counsyl); PubMed 9971877 (cited by Women's Health and Genetics/Laboratory Corporation of America, LabCorp); PubMed 24323938 (cited by Women's Health and Genetics/Laboratory Corporation of America, LabCorp); PubMed 23231788 (cited by Women's Health and Genetics/Laboratory Corporation of America, LabCorp); PubMed 22505045 (cited by Women's Health and Genetics/Laboratory Corporation of America, LabCorp); PubMed 9150172 (cited by Women's Health and Genetics/Laboratory Corporation of America, LabCorp).